The following is an entry in ClinVar:

NM_005120.3(MED12):c.6110G>C (p.Gly2037Ala)

Gene: MED12 (mediator complex subunit 12; plus strand). Cytogenetic location: Xq13.1.
Variant type: single nucleotide variant.
Coding change: c.6110G>C on transcript NM_005120.3 (MANE Select); coding-DNA position 6110, G replaced by C.
Protein change: p.Gly2037Ala; replaces glycine 2037 with alanine.
Molecular consequence: missense variant.
Genome position (GRCh38, 1-based): chrX:71,140,700, G>C. VCF-style: chrX-71140700-G-C. GRCh37 (hg19) VCF-style: chrX-70360550-G-C.
Other names: short protein forms G2037A.
Identifiers: ClinVar variation 4053389 (VCV004053389.1).

ClinVar aggregate classification (germline): Uncertain significance (1 of 4 stars; one submission).

Conditions:
Familial thoracic aortic aneurysm and aortic dissection (TAAD). Also called: Thoracic aortic aneurysms and dissections. Identifiers: Orphanet 91387, MedGen C4707243, MONDO:0019625.

gnomAD v4.1: 1 of 1,209,405 alleles (0.000083%); no homozygotes.

Submission:

Ambry Genetics
Classification: Uncertain significance for Familial thoracic aortic aneurysm and aortic dissection. Last evaluated: 2025-03-23. Review status: criteria provided, single submitter. Criteria: Ambry Variant Classification Scheme 2023. Collection method: clinical testing. Allele origin: germline.
Comment: The p.G2037A variant (also known as c.6110G>C), located in coding exon 42 of the MED12 gene, results from a G to C substitution at nucleotide position 6110. The glycine at codon 2037 is replaced by alanine, an amino acid with similar properties. This amino acid position is conserved. In addition, this alteration is predicted to be tolerated by in silico analysis. Based on the available evidence, the clinical significance of this variant remains unclear.